The following is an entry in ClinVar:

ClinVar aggregate classification (germline): Uncertain significance (1 of 4 stars; one submission).

Conditions:
Ataxia-telangiectasia syndrome (AT). Also called: ATAXIA-TELANGIECTASIA, COMPLEMENTATION GROUP A; ATAXIA-TELANGIECTASIA, FRESNO VARIANT; Ataxia-telangiectasia; LOUIS-BAR SYNDROME; Cerebello-oculocutaneous telangiectasia; Immunodeficiency with ataxia telangiectasia. Identifiers: Orphanet 100, MedGen C0004135, MONDO:0008840, OMIM 208900.

Submission:

Labcorp Genetics (formerly Invitae), Labcorp
Classification: Uncertain significance for Ataxia-telangiectasia syndrome. Last evaluated: 2025-09-10. Review status: criteria provided, single submitter. Criteria: Invitae Variant Classification Sherloc (09022015). Collection method: clinical testing. Allele origin: germline.
Comment: This variant, c.5593_5601del, results in the deletion of 3 amino acid(s) of the ATM protein (p.His1865_Gln1867del), but otherwise preserves the integrity of the reading frame. This variant is not present in population databases (gnomAD no frequency). This variant has not been reported in the literature in individuals affected with ATM-related conditions. Experimental studies and prediction algorithms are not available or were not evaluated, and the functional significance of this variant is currently unknown. Algorithms developed to predict the effect of sequence changes on RNA splicing suggest that this variant may create or strengthen a splice site. In summary, the available evidence is currently insufficient to determine the role of this variant in disease. Therefore, it has been classified as a Variant of Uncertain Significance.

NM_000051.4(ATM):c.5593_5601del (p.His1865_Gln1867del)

Gene: ATM (ATM serine/threonine kinase; plus strand). Cytogenetic location: 11q22.3.
Variant type: Deletion.
Coding change: c.5593_5601del on transcript NM_000051.4 (MANE Select); coding-DNA positions 5593 to 5601, 9 bases deleted (CATGTTCAG; older notation c.5593_5601delCATGTTCAG).
Protein change: p.His1865_Gln1867del.
Molecular consequence: inframe deletion.
Genome position (GRCh38, 1-based): chr11:108,304,771-108,304,779, CATGTTCAG deleted. VCF-style (leftmost placement, unchanged base first): chr11-108304770-ACATGTTCAG-A. GRCh37 (hg19) VCF-style: chr11-108175497-ACATGTTCAG-A.
Other names: c.5593_5601del, p.His1865_Gln1867del (NM_001351834.2).
Identifiers: ClinVar variation 4726903 (VCV004726903.1).